The following is an entry in ClinVar:

ClinVar aggregate classification (germline): Benign. Review status: reviewed by expert panel (3 of 4 stars). 8 submissions from 8 submitters: Benign (1). 7 of the submissions do not count toward it. Last evaluated 2021-05-06.

Conditions:
PDHA1-related disorder. Also called: PDHA1-related condition.
Pyruvate dehydrogenase complex deficiency (PDHC). Also called: Pyruvate dehydrogenase deficiency; Ataxia with lactic acidosis 1; PYRUVATE DECARBOXYLASE DEFICIENCY; PDH DEFICIENCY; Pyruvate Dehydrogenase Complex Deficiency Disease. Identifiers: Orphanet 765, Orphanet 79243, MedGen C0034345, MONDO:0019169.
Inborn genetic diseases. Identifiers: MedGen C0950123, MeSH D030342.
Pyruvate dehydrogenase E1-alpha deficiency (PDHAD). Also called: ATAXIA, INTERMITTENT, WITH PYRUVATE DEHYDROGENASE DEFICIENCY; ATAXIA WITH LACTIC ACIDOSIS I; ATAXIA, INTERMITTENT, WITH ABNORMAL PYRUVATE METABOLISM; Ataxia, intermittent, with pyruvate dehydrogenase, or decarboxylase, deficiency. Identifiers: Orphanet 79243, MedGen C1839413, MONDO:0010717, OMIM 312170.

Allele frequency attached by ClinVar (database versions not stated): gnomAD exomes 0.00010 and 0.00032; ExAC 0.00045; 1000 Genomes Project 30x 0.00062; 1000 Genomes Project 0.00079; gnomAD 0.00111 and 0.00124; TOPMed 0.00157; ESP Exome Variant Server 0.00161.
gnomAD v4.1: 236 of 1,148,669 alleles (0.021%); highest among the groups gnomAD compares: African/African-American, 0.35%; no homozygotes.

Submissions (8):

ClinGen Mitochondrial Disease Nuclear and Mitochondrial  Variant Curation Expert Panel, ClinGen
Classification: Benign for Pyruvate dehydrogenase complex deficiency. Last evaluated: 2021-05-06. Review status: reviewed by expert panel. Criteria: ClinGen Mito Disease ACMG Specifications v1. Collection method: curation. Allele origin: germline. Inheritance: X-linked inheritance.
Comment: The allele frequency of the c.999A>C variant in the PDHA1 gene is 0.044% in gnomAD, including 25 hemizygotes. This allele frequency, and the frequency with which it is seen in hemizygotes in the general population are high enough to be classified as benign based on thresholds defined by the ClinGen PDHA1 Variant Curation Expert Panel (>0.0092%- BS1; gnomAD >16 hemizygotes- BS2). In silico predictors provide a conflicting score (REVEL score 0.509). In summary, this variant meets criteria to be classified as benign for PDHA1- related pyruvate dehydrogenase deficiency in an X-linked manner. PDHA1-specific ACMG/AMP criteria applied: (BS1, BS2). This was reviewed with the PDHA1 expert panel on 4/6/2021 and approved on 4/6/2021.

Labcorp Genetics (formerly Invitae), Labcorp
Classification: Benign for Pyruvate dehydrogenase E1-alpha deficiency. Last evaluated: 2026-01-31. Review status: criteria provided, single submitter. Criteria: Invitae Variant Classification Sherloc (09022015). Collection method: clinical testing. Allele origin: germline. Not counted in ClinVar's aggregate classification.

CeGaT Center for Human Genetics Tuebingen
Classification: Likely benign. Last evaluated: 2025-09-01. Review status: criteria provided, single submitter. Criteria: CeGaT Center For Human Genetics Tuebingen Variant Classification Criteria Version 2. Collection method: clinical testing. Allele origin: germline. Affected: yes. Observed: 1 variant allele. Not counted in ClinVar's aggregate classification.
Comment: PDHA1: BS2

Mayo Clinic Laboratories, Mayo Clinic
Classification: Benign. Last evaluated: 2023-11-06. Review status: criteria provided, single submitter. Criteria: ACMG Guidelines, 2015. Collection method: clinical testing. Allele origin: germline. Observed: 5 variant alleles. Not counted in ClinVar's aggregate classification.
Comment: BS1, BS2

Blueprint Genetics
Classification: Likely benign. Last evaluated: 2023-06-13. Review status: criteria provided, single submitter. Criteria: ACMG Guidelines, 2015. Collection method: clinical testing. Allele origin: germline. Not counted in ClinVar's aggregate classification.

Ambry Genetics
Classification: Benign for Inborn genetic diseases. Last evaluated: 2017-03-31. Review status: criteria provided, single submitter. Criteria: Ambry Variant Classification Scheme 2023. Collection method: clinical testing. Allele origin: germline. Not counted in ClinVar's aggregate classification.

GeneDx
Classification: Benign. Last evaluated: 2015-06-03. Review status: criteria provided, single submitter. Criteria: GeneDx Variant Classification (06012015). Collection method: clinical testing. Allele origin: germline. Affected: yes. Not counted in ClinVar's aggregate classification.
Comment: This variant is considered likely benign or benign based on one or more of the following criteria: it is a conservative change, it occurs at a poorly conserved position in the protein, it is predicted to be benign by multiple in silico algorithms, and/or has population frequency not consistent with disease.

PreventionGenetics, part of Exact Sciences
Classification: Likely benign for PDHA1-related condition. Last evaluated: 2020-12-07. Review status: no assertion criteria provided. Collection method: clinical testing. Allele origin: germline. Not counted in ClinVar's aggregate classification.
Comment: This variant is classified as likely benign based on ACMG/AMP sequence variant interpretation guidelines (Richards et al. 2015 PMID: 25741868, with internal and published modifications).

NM_000284.4(PDHA1):c.999A>C (p.Glu333Asp)

Gene: PDHA1 (pyruvate dehydrogenase E1 subunit alpha 1; plus strand). Cytogenetic location: Xp22.12.
Variant type: single nucleotide variant.
Coding change: c.999A>C on transcript NM_000284.4 (MANE Select); coding-DNA position 999, A replaced by C.
Protein change: p.Glu333Asp; replaces glutamic acid 333 with aspartic acid.
Molecular consequence: missense variant.
Genome position (GRCh38, 1-based): chrX:19,359,015, A>C. VCF-style: chrX-19359015-A-C. GRCh37 (hg19) VCF-style: chrX-19377133-A-C.
Other names: c.1113A>C, p.Glu371Asp (NM_001173454.2); c.1020A>C, p.Glu340Asp (NM_001173455.2); c.906A>C, p.Glu302Asp (NM_001173456.2); c.1113A>C (NM_001173454.1); short protein forms E333D, E371D, E340D, E302D.
Identifiers: ClinVar variation 378343 (VCV000378343.27), dbSNP rs2228067, ClinGen allele CA10363173.
Genomic context (GRCh38, chrX:19,359,015, plus strand): 5'-GAGTGACCCTATTATGCTTCTCAAGGACAGGATGGTGAACAGCAATCTTGCCAGTGTGGA[A>C]GAACTAAAGGTACAGTCACTTGTTCATGGTGGTTTGAAGGTTGGCTTTAAAAGTTGCCAC-3'
Protein context (NP_000275.1, residues 323-343): RMVNSNLASV[Glu333Asp]ELKEIDVEVR